The following is an entry in ClinVar:

NM_144622.3(DCST2):c.1152C>T (p.His384=)

Gene: DCST2 (DC-STAMP domain containing 2; minus strand). Cytogenetic location: 1q21.3.
Variant type: single nucleotide variant.
Coding change: c.1152C>T on transcript NM_144622.3 (MANE Select); coding-DNA position 1152, C replaced by T.
Protein change: p.His384=; no amino-acid change (histidine 384 retained).
Molecular consequence: synonymous variant.
Genome position (GRCh38, 1-based): chr1:155,030,109, G>A on the plus strand (C>T on the coding strand, the complement: DCST2 is on the minus strand). VCF-style: chr1-155030109-G-A. GRCh37 (hg19) VCF-style: chr1-155002585-G-A.
Identifiers: ClinVar variation 2639391 (VCV002639391.24), dbSNP rs201803286, ClinGen allele CA1135478.
Genomic context (GRCh38, chr1:155,030,109, plus strand): 5'-CTGGCTTGGGCTCTCCCTGTCCTCAGGGCCCTCACCCGGTGGGATGTAGCGCCTGGCCTC[G>A]TGAGCACTGAGCGGTAGCACTGTGGGCAGCCCTGCCGTGGAGCGCACAGCCTCCATGCGC-3'
Protein context (NP_653223.2, residues 374-394): GLPTVLPLSA[His384=]EARRYIPPGS

ClinVar aggregate classification (germline): Likely benign (1 of 4 stars; one submission).

Allele frequency attached by ClinVar (database versions not stated): gnomAD 0.00015; ExAC 0.00020; ESP Exome Variant Server 0.00008; TOPMed 0.00013.
gnomAD v4.1: 295 of 1,613,922 alleles (0.018%); highest among the groups gnomAD compares: Admixed American, 0.023%; no homozygotes.

Submission:

CeGaT Center for Human Genetics Tuebingen
Classification: Likely benign. Last evaluated: 2022-07-01. Review status: criteria provided, single submitter. Criteria: CeGaT Center For Human Genetics Tuebingen Variant Classification Criteria Version 2. Collection method: clinical testing. Allele origin: germline. Affected: yes. Observed: 1 variant allele.
Comment: DCST2: BP4, BP7